The following is an entry in ClinVar:

ClinVar aggregate classification (germline): Conflicting classifications of pathogenicity. Review status: criteria provided, conflicting classifications (1 of 4 stars). 5 submissions from 4 submitters: Uncertain significance (2); Likely benign (2). 1 of the submissions does not count toward it. Last evaluated 2026-01-24.

Conditions:
Transitory neonatal diabetes mellitus. Also called: Transient neonatal diabetes mellitus. Identifiers: MedGen C0342273, MONDO:0020525, HP:0008255.
Hereditary hyperinsulinism.
Maturity-onset diabetes of the young (MODY). Also called: Maturity onset diabetes mellitus in young. Identifiers: Orphanet 552, MedGen C0342276, MONDO:0018911, HP:0004904.

Allele frequency attached by ClinVar (database versions not stated): ExAC 0.00003; gnomAD exomes 0.00003.
gnomAD v4.1: 26 of 1,613,928 alleles (0.0016%); highest among the groups gnomAD compares: Admixed American, 0.0033%; no homozygotes.

Submissions (5):

Labcorp Genetics (formerly Invitae), Labcorp
Classification: Likely benign. Last evaluated: 2026-01-24. Review status: criteria provided, single submitter. Criteria: Invitae Variant Classification Sherloc (09022015). Collection method: clinical testing. Allele origin: germline.

Blueprint Genetics
Classification: Likely benign. Last evaluated: 2024-07-15. Review status: criteria provided, single submitter. Criteria: ACMG Guidelines, 2015. Collection method: clinical testing. Allele origin: germline.

Clinical Genomics, Uppaluri K&H Personalized Medicine Clinic
Classification: Uncertain significance for Transitory neonatal diabetes mellitus. Review status: criteria provided, single submitter. Criteria: K & H Uppaluri Personalized Medicine Clinic Variant Classification & Assertion Criteria_Updated V.1. Collection method: research. Allele origin: unknown. Inheritance: Somatic mutation.
Comment: Mutations in ABCC8 gene are associated with both neonatal diabetes mellitus as well as MODY. Patients with this mutation may have a better response to sulfonylureas. However, no sufficient evidence is found to ascertain the role of this particular variant (rs751643248) in neonatal diabetes yet.

Clinical Genomics, Uppaluri K&H Personalized Medicine Clinic
Classification: Uncertain significance for Maturity-onset diabetes of the young. Review status: criteria provided, single submitter. Criteria: K & H Uppaluri Personalized Medicine Clinic Variant Classification & Assertion Criteria_Updated V.1. Collection method: research. Allele origin: unknown. Inheritance: Somatic mutation.
Comment: Mutations in ABCC8 gene are associated with both neonatal diabetes mellitus as well as MODY. Patients with this mutation may have a better response to sulfonylureas. However, no sufficient evidence is found to ascertain the role of this particular variant (rs751643248) in MODY yet.

Natera, Inc.
Classification: Uncertain significance for Hereditary hyperinsulinism. Last evaluated: 2020-04-10. Review status: no assertion criteria provided. Collection method: clinical testing. Allele origin: germline. Not counted in ClinVar's aggregate classification.

Literature cited by the submitters: PubMed 16885549 (cited by Clinical Genomics, Uppaluri K&H Personalized Medicine Clinic); PubMed 21989597 (cited by Clinical Genomics, Uppaluri K&H Personalized Medicine Clinic); PubMed 27538677 (cited by Clinical Genomics, Uppaluri K&H Personalized Medicine Clinic); PubMed 18981553 (cited by Clinical Genomics, Uppaluri K&H Personalized Medicine Clinic); PubMed 32027066 (cited by Clinical Genomics, Uppaluri K&H Personalized Medicine Clinic); PubMed 16613899 (cited by Clinical Genomics, Uppaluri K&H Personalized Medicine Clinic); PubMed 18025408 (cited by Clinical Genomics, Uppaluri K&H Personalized Medicine Clinic); PubMed 32792356 (cited by Clinical Genomics, Uppaluri K&H Personalized Medicine Clinic).

NM_000352.6(ABCC8):c.1407A>C (p.Leu469=)

Gene: ABCC8 (ATP binding cassette subfamily C member 8; minus strand). Cytogenetic location: 11p15.1.
Variant type: single nucleotide variant.
Coding change: c.1407A>C on transcript NM_000352.6 (MANE Select); coding-DNA position 1407, A replaced by C.
Protein change: p.Leu469=; no amino-acid change (leucine 469 retained).
Molecular consequence: synonymous variant. On other transcripts: non-coding transcript variant (1).
Genome position (GRCh38, 1-based): chr11:17,443,238, T>G on the plus strand (A>C on the coding strand, the complement: ABCC8 is on the minus strand). VCF-style: chr11-17443238-T-G. GRCh37 (hg19) VCF-style: chr11-17464785-T-G.
Other names: c.1407A>C, p.Leu469= (NM_001287174.3, NM_001351295.2); c.1404A>C, p.Leu468= (NM_001351296.2, NM_001351297.2).
Identifiers: ClinVar variation 991055 (VCV000991055.11), dbSNP rs751643248, ClinGen allele CA5903589.
Genomic context (GRCh38, chr11:17,443,238, plus strand): 5'-CAGTGTGCTCCGCTGGGCCTGAGACAGCTTGGTGGCCACGAAGTACTGGACAGGAGCCAG[T>G]AGAATGATGACAGCTGCTCCAATTAAGGCACTGACTCCGAGTATGTAGTAGAGGAGAATC-3'
Protein context (NP_000343.2, residues 459-479): SALIGAAVII[Leu469=]LAPVQYFVAT